The following is an entry in ClinVar:

ClinVar aggregate classification (germline): Uncertain significance (1 of 4 stars; one submission).

Conditions:
Inborn genetic diseases. Identifiers: MedGen C0950123, MeSH D030342.

gnomAD v4.1: 1 of 1,210,233 alleles (0.000083%); highest among the groups gnomAD compares: Admixed American, 0.0022%; no homozygotes.

Submission:

Ambry Genetics
Classification: Uncertain significance for Inborn genetic diseases. Last evaluated: 2026-05-05. Review status: criteria provided, single submitter. Criteria: Ambry Variant Classification Scheme 2023. Collection method: clinical testing. Allele origin: germline.
Comment: The c.8380G>A (p.G2794R) alteration is located in exon 61 (coding exon 58) of the HUWE1 gene. This alteration results from a G to A substitution at nucleotide position 8380, causing the glycine (G) at amino acid position 2794 to be replaced by an arginine (R). Based on data from gnomAD, the A allele has an overall frequency of <0.001% (1/182935) total alleles studied. The highest observed frequency was 0.004% (1/27390) of Latino alleles. Based on insufficient or conflicting evidence, the clinical significance of this alteration remains unclear.

NM_031407.7(HUWE1):c.8380G>A (p.Gly2794Arg)

Gene: HUWE1 (HECT, UBA and WWE domain containing E3 ubiquitin protein ligase 1; minus strand). Cytogenetic location: Xp11.22.
Variant type: single nucleotide variant.
Coding change: c.8380G>A on transcript NM_031407.7 (MANE Select); coding-DNA position 8380, G replaced by A.
Protein change: p.Gly2794Arg; replaces glycine 2794 with arginine.
Molecular consequence: missense variant.
Genome position (GRCh38, 1-based): chrX:53,554,747, C>T on the plus strand (G>A on the coding strand, the complement: HUWE1 is on the minus strand). VCF-style: chrX-53554747-C-T. GRCh37 (hg19) VCF-style: chrX-53581708-C-T.
Other names: c.8377G>A, p.Gly2793Arg (NM_001441048.1, NM_001441051.1, NM_001441053.1 and 2 more transcripts); c.8380G>A, p.Gly2794Arg (NM_001441049.1, NM_001441054.1, NM_001441057.1); c.8401G>A, p.Gly2801Arg (NM_001441050.1, NM_001441055.1); c.7978G>A, p.Gly2660Arg (NM_001441052.1); short protein forms G2660R, G2793R, G2794R, G2801R.
Identifiers: ClinVar variation 4858406 (VCV004858406.1).